The following is an entry in ClinVar:

NM_001385682.1(MAP4):c.6384T>C (p.Ser2128=)

Gene: MAP4 (microtubule associated protein 4; minus strand). Cytogenetic location: 3p21.31.
Variant type: single nucleotide variant.
Coding change: c.6384T>C on transcript NM_001385682.1 (MANE Select); coding-DNA position 6384, T replaced by C.
Protein change: p.Ser2128=; no amino-acid change (serine 2128 retained).
Molecular consequence: synonymous variant. On other transcripts: intron variant (69).
Genome position (GRCh38, 1-based): chr3:47,869,238, A>G on the plus strand (T>C on the coding strand, the complement: MAP4 is on the minus strand). VCF-style: chr3-47869238-A-G. GRCh37 (hg19) VCF-style: chr3-47910728-A-G.
Other names: c.2949T>C, p.Ser983= (NM_001134364.2, NM_001384729.1, NM_001384754.1 and 5 more transcripts); c.2904T>C, p.Ser968= (NM_001384676.1, NM_001384756.1, NM_001384774.1); c.2955T>C, p.Ser985= (NM_001384679.1, NM_001384731.1); c.2643T>C, p.Ser881= (NM_001384680.1); c.2826T>C, p.Ser942= (NM_001384681.1, NM_001384836.1, NM_001384868.1); c.2751T>C, p.Ser917= (NM_001384707.1, NM_001384850.1); c.2880T>C, p.Ser960= (NM_001384730.1, NM_001384777.1, NM_001384816.1); c.3000T>C, p.Ser1000= (NM_001384736.1, NM_001384788.1, NM_001385686.1); and 68 more.
Identifiers: ClinVar variation 3057412 (VCV003057412.2), dbSNP rs1344742632, ClinGen allele CA433515616.

ClinVar aggregate classification (germline): Likely benign (0 of 4 stars; one submission).

Conditions:
MAP4-related disorder. Also called: MAP4-related condition.

Submission:

PreventionGenetics, part of Exact Sciences
Classification: Likely benign for MAP4-related condition. Last evaluated: 2019-03-25. Review status: no assertion criteria provided. Collection method: clinical testing. Allele origin: germline.
Comment: This variant is classified as likely benign based on ACMG/AMP sequence variant interpretation guidelines (Richards et al. 2015 PMID: 25741868, with internal and published modifications).